The following is an entry in ClinVar:

ClinVar aggregate classification (germline): Conflicting classifications of pathogenicity. Review status: criteria provided, conflicting classifications (1 of 4 stars). 8 submissions from 8 submitters: Uncertain significance (3); Benign (1); Likely benign (4). Last evaluated 2026-01-20.

Conditions:
Hereditary cancer-predisposing syndrome. Also called: Tumor predisposition; Hereditary Cancer Syndrome; Hereditary neoplastic syndrome; Neoplastic Syndromes, Hereditary. Identifiers: Orphanet 140162, MedGen C0027672, MeSH D009386, MONDO:0015356.
Lynch syndrome. Identifiers: Orphanet 144, MedGen C4552100, MONDO:0005835. Disease mechanism: loss of function.
Lynch syndrome 4 (LYNCH4). Also called: Colorectal cancer, hereditary nonpolyposis, type 4; Hereditary non-polyposis colorectal cancer, type 4. Identifiers: Orphanet 144, MedGen C1838333, MONDO:0013699, OMIM 614337. Disease mechanism: loss of function.
Hereditary nonpolyposis colorectal neoplasms. Identifiers: MedGen C0009405, MeSH D003123.

Allele frequency attached by ClinVar (database versions not stated): gnomAD exomes 0.00001 and 0.00002; ExAC 0.00002; gnomAD 0.00003 and 0.00004; TOPMed 0.00006.
gnomAD v4.1: 12 of 1,613,830 alleles (0.00074%); highest among the groups gnomAD compares: African/African-American, 0.016%; no homozygotes.

Submissions (8):

Labcorp Genetics (formerly Invitae), Labcorp
Classification: Uncertain significance for Hereditary nonpolyposis colorectal neoplasms. Last evaluated: 2026-01-20. Review status: criteria provided, single submitter. Criteria: Invitae Variant Classification Sherloc (09022015). Collection method: clinical testing. Allele origin: germline.
Comment: This sequence change affects codon 197 of the PMS2 mRNA. It is a 'silent' change, meaning that it does not change the encoded amino acid sequence of the PMS2 protein. This variant is present in population databases (rs748518694, gnomAD 0.03%). This variant has been observed in individual(s) with PMS2-related conditions (PMID: 29596542). ClinVar contains an entry for this variant (Variation ID: 411048). Studies have shown that this variant is associated with inconclusive levels of altered splicing (internal data). In summary, the available evidence is currently insufficient to determine the role of this variant in disease. Therefore, it has been classified as a Variant of Uncertain Significance.

Women's Health and Genetics/Laboratory Corporation of America, LabCorp
Classification: Likely benign. Last evaluated: 2025-11-07. Review status: criteria provided, single submitter. Criteria: LabCorp Variant Classification Summary - May 2015. Collection method: clinical testing. Allele origin: germline.

Myriad Genetics, Inc.
Classification: Benign for Lynch syndrome 4. Last evaluated: 2025-01-27. Review status: criteria provided, single submitter. Criteria: Myriad Autosomal Dominant, Autosomal Recessive and X-Linked Classification Criteria (2023). Collection method: clinical testing. Allele origin: unknown.
Comment: This variant is considered benign. This variant is a silent/synonymous amino acid change and it is not expected to impact splicing.

All of Us Research Program, National Institutes of Health
Classification: Likely benign for Lynch syndrome. Last evaluated: 2024-08-06. Review status: criteria provided, single submitter. Criteria: ACMG Guidelines, 2015. Collection method: clinical testing. Allele origin: germline. Inheritance: Autosomal dominant inheritance. Observed: 3 variant alleles, 3 heterozygotes.
Comment: This study involves interpretation of variants in research participants for the purpose of population health screening. Participant phenotype was not available at the time of variant classification. Additional details can be found in publication PMID: 35346344, PMCID: PMC8962531

GeneDx
Classification: Uncertain significance. Last evaluated: 2023-02-16. Review status: criteria provided, single submitter. Criteria: GeneDx Variant Classification Process June 2021. Collection method: clinical testing. Allele origin: germline. Affected: yes.
Comment: In silico analysis suggests this variant may impact gene splicing. In the absence of RNA/functional studies, the actual effect of this sequence change is unknown.; Identified in the MMR-proficient tumor from an individual with colorectal cancer (Hampel et al., 2018); This variant is associated with the following publications: (PMID: 35451539, 29596542)

Sema4
Classification: Uncertain significance for Hereditary cancer-predisposing syndrome. Last evaluated: 2022-02-27. Review status: criteria provided, single submitter. Criteria: Sema4 Curation Guidelines. Collection method: curation. Allele origin: germline.
Comment: The PMS2 c.591C>T (p.G197=) variant has been reported in heterozygosity in at least one individual with colorectal cancer (PMID: 29596542). This variant was observed in 5/16256 chromosomes in the African population according to the Genome Aggregation Database (PMID: 32461654) and has been reported in ClinVar (Variation ID: 411048). In silico tools suggest the variant may potentially have an impact on splicing, though these predictions have not been confirmed by functional studies. Based on the current evidence available, this variant is interpreted as a variant of uncertain significance.

Color Diagnostics, LLC DBA Color Health
Classification: Likely benign for Hereditary cancer-predisposing syndrome. Last evaluated: 2021-09-08. Review status: criteria provided, single submitter. Criteria: ACMG Guidelines, 2015. Collection method: clinical testing. Allele origin: germline.

Ambry Genetics
Classification: Likely benign for Hereditary cancer-predisposing syndrome. Last evaluated: 2015-08-27. Review status: criteria provided, single submitter. Criteria: Ambry Variant Classification Scheme 2023. Collection method: clinical testing. Allele origin: germline.

Literature cited by the submitters: PubMed 29596542 (cited by Labcorp Genetics (formerly Invitae), Labcorp and Sema4).

NM_000535.7(PMS2):c.591C>T (p.Gly197=)

Gene: PMS2 (PMS1 homolog 2, mismatch repair system component; minus strand). Cytogenetic location: 7p22.1.
Variant type: single nucleotide variant.
Coding change: c.591C>T on transcript NM_000535.7 (MANE Select); coding-DNA position 591, C replaced by T.
Protein change: p.Gly197=; no amino-acid change (glycine 197 retained).
Molecular consequence: synonymous variant. On other transcripts: 5 prime UTR variant (2), non-coding transcript variant (1), intron variant (1).
Genome position (GRCh38, 1-based): chr7:5,999,222, G>A on the plus strand (C>T on the coding strand, the complement: PMS2 is on the minus strand). VCF-style: chr7-5999222-G-A. GRCh37 (hg19) VCF-style: chr7-6038853-G-A.
Other names: c.186C>T, p.Gly62= (NM_001322003.2, NM_001322004.2, NM_001322005.2 and 2 more transcripts); c.591C>T, p.Gly197= (NM_001322006.2, NM_001322014.2); c.273C>T, p.Gly91= (NM_001322007.2, NM_001322008.2); c.-343C>T (NM_001322011.2, NM_001322012.2); c.282C>T, p.Gly94= (NM_001322015.2); c.133-1799C>T (NM_001322013.2).
Identifiers: ClinVar variation 411048 (VCV000411048.24), dbSNP rs748518694, ClinGen allele CA050497.
Genomic context (GRCh38, chr7:5,999,222, plus strand): 5'-TGTGCATACCACAGGCTGTCGTTTTCCTTGTCCAAGCTGATTGGTGCAACTTACACGGAT[G>A]CCTGCTGAAATGATACAGTATGCATGTAAGACCTGGACCATTTTGGCATACTCCTGTTTA-3'
Protein context (NP_000526.2, residues 187-207): VLHAYCIISA[Gly197=]IRVSCTNQLG